The following is an entry in ClinVar:

NM_018965.4(TREM2):c.*53A>T

Gene: TREM2 (triggering receptor expressed on myeloid cells 2; minus strand). Cytogenetic location: 6p21.1.
Variant type: single nucleotide variant.
Coding change: c.*53A>T on transcript NM_018965.4 (MANE Select); 53 bases downstream of the stop codon, A replaced by T.
Molecular consequence: 3 prime UTR variant. On other transcripts: synonymous variant (1).
Genome position (GRCh38, 1-based): chr6:41,158,711, T>A on the plus strand (A>T on the coding strand, the complement: TREM2 is on the minus strand). VCF-style: chr6-41158711-T-A. GRCh37 (hg19) VCF-style: chr6-41126449-T-A.
Other names: c.552A>T, p.Pro184= (NM_001271821.2).
Identifiers: ClinVar variation 2108683 (VCV002108683.5), dbSNP rs2532382833, ClinGen allele CA2573106158.

ClinVar aggregate classification (germline): Uncertain significance (1 of 4 stars; one submission).

Conditions:
Polycystic lipomembranous osteodysplasia with sclerosing leukoencephalopathy 2. Also called: TREM2-Related Polycystic Lipomembranous Osteodysplasia with Sclerosing Leukoencephalopathy. Identifiers: MedGen C4748657, MONDO:0020750, OMIM 618193.
Frontotemporal dementia (FTD1). Also called: Frontotemporal lobe dementia (FLDEM); Dementia, frontotemporal, with or without parkinsonism; FRONTOTEMPORAL LOBAR DEGENERATION WITH TAU INCLUSIONS; FTLD WITH TAU INCLUSIONS; Frontotemporal Dementia with Parkinsonism-17 (FTDP-17); FRONTOTEMPORAL DEMENTIA WITH PARKINSONISM. Identifiers: Orphanet 282, MedGen C0338451, MONDO:0017276, OMIM 600274, HP:0002145.

Submission:

Labcorp Genetics (formerly Invitae), Labcorp
Classification: Uncertain significance. Last evaluated: 2022-03-11. Review status: criteria provided, single submitter. Criteria: Invitae Variant Classification Sherloc (09022015). Collection method: clinical testing. Allele origin: germline.
Comment: This variant has not been reported in the literature in individuals affected with TREM2-related conditions. This variant occurs in a non-coding region of the TREM2 gene. It does not change the encoded amino acid sequence of the TREM2 protein. This variant is not present in population databases (gnomAD no frequency). In summary, the available evidence is currently insufficient to determine the role of this variant in disease. Therefore, it has been classified as a Variant of Uncertain Significance.